The following is an entry in ClinVar:

NM_001458.5(FLNC):c.3516G>T (p.Glu1172Asp)

Gene: FLNC (filamin C; plus strand). Cytogenetic location: 7q32.1.
Variant type: single nucleotide variant.
Coding change: c.3516G>T on transcript NM_001458.5 (MANE Select); coding-DNA position 3516, G replaced by T.
Protein change: p.Glu1172Asp; replaces glutamic acid 1172 with aspartic acid.
Molecular consequence: missense variant.
Genome position (GRCh38, 1-based): chr7:128,844,981, G>T. VCF-style: chr7-128844981-G-T. GRCh37 (hg19) VCF-style: chr7-128485035-G-T.
Other names: c.3516G>T, p.Glu1172Asp (NM_001127487.2); short protein forms E1172D.
Identifiers: ClinVar variation 2925460 (VCV002925460.3), dbSNP rs779370965, ClinGen allele CA4475065.

ClinVar aggregate classification (germline): Uncertain significance (1 of 4 stars; one submission).

Conditions:
Myofibrillar myopathy 5. Also called: Filaminopathy (type); FILAMINOPATHY, AUTOSOMAL DOMINANT. Identifiers: Orphanet 171445, MedGen C1836050, MONDO:0012289, OMIM 609524.
Hypertrophic cardiomyopathy 26. Also called: Cardiomyopathy, familial hypertrophic, 26. Identifiers: Orphanet 75249, MedGen C4310749, MONDO:0014883, OMIM 617047.
Distal myopathy with posterior leg and anterior hand involvement. Also called: WILLIAMS DISTAL MYOPATHY. Identifiers: Orphanet 63273, MedGen C3279722, MONDO:0013550, OMIM 614065.

Allele frequency attached by ClinVar (database versions not stated): ExAC 0.00001; gnomAD exomes 0.00001.
gnomAD v4.1: 7 of 1,613,826 alleles (0.00043%); highest among the groups gnomAD compares: Non-Finnish European, 0.00059%; no homozygotes.

Submission:

Labcorp Genetics (formerly Invitae), Labcorp
Classification: Uncertain significance for Distal myopathy with posterior leg and anterior hand involvement; Myofibrillar myopathy 5; Hypertrophic cardiomyopathy 26. Last evaluated: 2023-04-15. Review status: criteria provided, single submitter. Criteria: Invitae Variant Classification Sherloc (09022015). Collection method: clinical testing. Allele origin: germline.
Comment: In summary, the available evidence is currently insufficient to determine the role of this variant in disease. Therefore, it has been classified as a Variant of Uncertain Significance. Advanced modeling of protein sequence and biophysical properties (such as structural, functional, and spatial information, amino acid conservation, physicochemical variation, residue mobility, and thermodynamic stability) has been performed at Invitae for this missense variant, however the output from this modeling did not meet the statistical confidence thresholds required to predict the impact of this variant on FLNC protein function. This variant has not been reported in the literature in individuals affected with FLNC-related conditions. This variant is present in population databases (rs779370965, gnomAD 0.0009%). This sequence change replaces glutamic acid, which is acidic and polar, with aspartic acid, which is acidic and polar, at codon 1172 of the FLNC protein (p.Glu1172Asp).